The following is an entry in ClinVar:

NM_003000.3(SDHB):c.131T>C (p.Ile44Thr)

Gene: SDHB (succinate dehydrogenase complex iron sulfur subunit B; minus strand). Cytogenetic location: 1p36.13.
Variant type: single nucleotide variant.
Coding change: c.131T>C on transcript NM_003000.3 (MANE Select); coding-DNA position 131, T replaced by C.
Protein change: p.Ile44Thr; replaces isoleucine 44 with threonine.
Molecular consequence: missense variant.
Genome position (GRCh38, 1-based): chr1:17,044,830, A>G on the plus strand (T>C on the coding strand, the complement: SDHB is on the minus strand). VCF-style: chr1-17044830-A-G. GRCh37 (hg19) VCF-style: chr1-17371325-A-G.
Other names: c.131T>C, p.Ile44Thr (NM_001407361.1); short protein forms I44T.
Identifiers: ClinVar variation 2447648 (VCV002447648.4), dbSNP rs2525059821, ClinGen allele CA338228137.

ClinVar aggregate classification (germline): Conflicting classifications of pathogenicity. Review status: criteria provided, conflicting classifications (1 of 4 stars). 3 submissions from 3 submitters: Likely pathogenic (1); Uncertain significance (2). Last evaluated 2026-01-20.

Conditions:
Inherited renal cancer.
Pheochromocytoma. Also called: MAX-Related Hereditary Paraganglioma-Pheochromocytoma Syndrome. Identifiers: Orphanet 29072, MedGen C0031511, MONDO:0008233, OMIM 171300, HP:0002666.
Pheochromocytoma/paraganglioma syndrome 4. Also called: CAROTID BODY TUMORS AND MULTIPLE EXTRAADRENAL PHEOCHROMOCYTOMAS; PARAGANGLIOMA, FAMILIAL MALIGNANT; PARAGANGLIOMAS, HEREDITARY EXTRAADRENAL; PHEOCHROMOCYTOMA, FAMILIAL EXTRAADRENAL; Paragangliomas 4; SDHB-Related Hereditary Paraganglioma-Pheochromocytoma Syndrome (Paragangliomas 4). Identifiers: Orphanet 29072, MedGen C1861848, MONDO:0007273, OMIM 115310.
Gastrointestinal stromal tumor. Also called: Gastrointestinal stromal tumor, somatic; Gastrointestinal stroma tumor. Identifiers: Orphanet 44890, MedGen C0238198, MeSH D046152, MONDO:0011719, OMIM 606764, HP:0100723.
Hereditary cancer-predisposing syndrome. Also called: Hereditary Cancer Syndrome; Hereditary neoplastic syndrome; Neoplastic Syndromes, Hereditary; Tumor predisposition. Identifiers: Orphanet 140162, MedGen C0027672, MeSH D009386, MONDO:0015356.

Submissions (3):

Genetics Laboratory, Great Ormond Street Hospital NHS Foundation Trust, North Thames Genomic Laboratory Hub
Classification: Likely pathogenic for Inherited renal cancer. Last evaluated: 2026-01-20. Review status: criteria provided, single submitter. Criteria: CanVIG SDH Gene Specific V1.3. Collection method: clinical testing. Allele origin: germline. Affected: yes.
Comment: PM2_moderate, PP3_supporting, PP4_strong

Labcorp Genetics (formerly Invitae), Labcorp
Classification: Uncertain significance for Gastrointestinal stromal tumor; Pheochromocytoma/paraganglioma syndrome 4; Pheochromocytoma. Last evaluated: 2025-10-27. Review status: criteria provided, single submitter. Criteria: Invitae Variant Classification Sherloc (09022015). Collection method: clinical testing. Allele origin: germline.
Comment: This sequence change replaces isoleucine, which is neutral and non-polar, with threonine, which is neutral and polar, at codon 44 of the SDHB protein (p.Ile44Thr). This variant is not present in population databases (gnomAD no frequency). This variant has not been reported in the literature in individuals affected with SDHB-related conditions. ClinVar contains an entry for this variant (Variation ID: 2447648). Invitae Evidence Modeling of protein sequence and biophysical properties (such as structural, functional, and spatial information, amino acid conservation, physicochemical variation, residue mobility, and thermodynamic stability) indicates that this missense variant is expected to disrupt SDHB protein function with a positive predictive value of 80%. In summary, the available evidence is currently insufficient to determine the role of this variant in disease. Therefore, it has been classified as a Variant of Uncertain Significance.

Ambry Genetics
Classification: Uncertain significance for Hereditary cancer-predisposing syndrome. Last evaluated: 2022-11-26. Review status: criteria provided, single submitter. Criteria: Ambry Variant Classification Scheme 2023. Collection method: clinical testing. Allele origin: germline.
Comment: The p.I44T variant (also known as c.131T>C), located in coding exon 2 of the SDHB gene, results from a T to C substitution at nucleotide position 131. The isoleucine at codon 44 is replaced by threonine, an amino acid with similar properties. This amino acid position is conserved. In addition, this alteration is predicted to be deleterious by in silico analysis. Since supporting evidence is limited at this time, the clinical significance of this alteration remains unclear.